The following is an entry in ClinVar:

ClinVar aggregate classification (germline): Uncertain significance. Review status: criteria provided, multiple submitters, no conflicts (2 of 4 stars). 3 submissions from 3 submitters: Uncertain significance (3). Last evaluated 2025-03-04.

Conditions:
Hereditary cancer-predisposing syndrome. Also called: Neoplastic Syndromes, Hereditary; Tumor predisposition; Hereditary Cancer Syndrome; Hereditary neoplastic syndrome. Identifiers: Orphanet 140162, MedGen C0027672, MeSH D009386, MONDO:0015356.
Retinoblastoma (RB1). Also called: RETINOBLASTOMA, SOMATIC. Identifiers: Orphanet 790, MedGen C0035335, MeSH D012175, MONDO:0008380, OMIM 180200, HP:0009919. Disease mechanism: loss of function. Inheritance: Both sporadic and heritable forms are tested..

Allele frequency attached by ClinVar (database versions not stated): gnomAD exomes below 0.00001; gnomAD 0.00001.
gnomAD v4.1: 3 of 1,599,774 alleles (0.00019%); highest among the groups gnomAD compares: Non-Finnish European, 0.00026%; no homozygotes.

Submissions (3):

Center for Genomic Medicine, Rigshospitalet, Copenhagen University Hospital
Classification: Uncertain significance. Last evaluated: 2025-03-04. Review status: criteria provided, single submitter. Criteria: ACMG Guidelines, 2015. Collection method: clinical testing. Allele origin: germline.

Ambry Genetics
Classification: Uncertain significance for Hereditary cancer-predisposing syndrome. Last evaluated: 2025-01-24. Review status: criteria provided, single submitter. Criteria: Ambry Variant Classification Scheme 2023. Collection method: clinical testing. Allele origin: germline.
Comment: The p.E748K variant (also known as c.2242G>A), located in coding exon 22 of the RB1 gene, results from a G to A substitution at nucleotide position 2242. The glutamic acid at codon 748 is replaced by lysine, an amino acid with similar properties. This amino acid position is not well conserved in available vertebrate species. In addition, this alteration is predicted to be tolerated by in silico analysis. Based on the available evidence, the clinical significance of this variant remains unclear.

Labcorp Genetics (formerly Invitae), Labcorp
Classification: Uncertain significance for Retinoblastoma. Last evaluated: 2024-08-31. Review status: criteria provided, single submitter. Criteria: Invitae Variant Classification Sherloc (09022015). Collection method: clinical testing. Allele origin: germline.
Comment: This sequence change replaces glutamic acid, which is acidic and polar, with lysine, which is basic and polar, at codon 748 of the RB1 protein (p.Glu748Lys). This variant is not present in population databases (gnomAD no frequency). This variant has not been reported in the literature in individuals affected with RB1-related conditions. ClinVar contains an entry for this variant (Variation ID: 527926). Invitae Evidence Modeling of protein sequence and biophysical properties (such as structural, functional, and spatial information, amino acid conservation, physicochemical variation, residue mobility, and thermodynamic stability) indicates that this missense variant is not expected to disrupt RB1 protein function with a negative predictive value of 80%. In summary, the available evidence is currently insufficient to determine the role of this variant in disease. Therefore, it has been classified as a Variant of Uncertain Significance.

NM_000321.3(RB1):c.2242G>A (p.Glu748Lys)

Gene: RB1 (RB transcriptional corepressor 1; plus strand). Cytogenetic location: 13q14.2.
Variant type: single nucleotide variant.
Coding change: c.2242G>A on transcript NM_000321.3 (MANE Select); coding-DNA position 2242, G replaced by A.
Protein change: p.Glu748Lys; replaces glutamic acid 748 with lysine.
Molecular consequence: missense variant.
Genome position (GRCh38, 1-based): chr13:48,465,028, G>A. VCF-style: chr13-48465028-G-A. GRCh37 (hg19) VCF-style: chr13-49039164-G-A.
Other names: short protein forms E748K.
Identifiers: ClinVar variation 527926 (VCV000527926.12), dbSNP rs121913297, ClinGen allele CA388167545.